The following is an entry in ClinVar:

ClinVar aggregate classification (germline): Uncertain significance (1 of 4 stars; one submission).

Submission:

GeneDx
Classification: Uncertain significance. Last evaluated: 2023-06-23. Review status: criteria provided, single submitter. Criteria: GeneDx Variant Classification Process June 2021. Collection method: clinical testing. Allele origin: germline. Affected: yes.
Comment: Not observed at significant frequency in large population cohorts (gnomAD); In silico analysis supports that this missense variant has a deleterious effect on protein structure/function; Has not been previously published as pathogenic or benign to our knowledge

NM_000475.5(NR0B1):c.857T>C (p.Leu286Pro)

Gene: NR0B1 (nuclear receptor subfamily 0 group B member 1; minus strand). Cytogenetic location: Xp21.2.
Variant type: single nucleotide variant.
Coding change: c.857T>C on transcript NM_000475.5 (MANE Select); coding-DNA position 857, T replaced by C.
Protein change: p.Leu286Pro; replaces leucine 286 with proline.
Molecular consequence: missense variant.
Genome position (GRCh38, 1-based): chrX:30,308,507, A>G on the plus strand (T>C on the coding strand, the complement: NR0B1 is on the minus strand). VCF-style: chrX-30308507-A-G. GRCh37 (hg19) VCF-style: chrX-30326624-A-G.
Other names: short protein forms L286P.
Identifiers: ClinVar variation 3360241 (VCV003360241.1).